The following is an entry in ClinVar:

NM_001042492.3(NF1):c.3869del (p.Lys1290fs)

Gene: NF1 (neurofibromin 1; plus strand). Cytogenetic location: 17q11.2.
Variant type: Deletion.
Coding change: c.3869del on transcript NM_001042492.3 (MANE Select); coding-DNA position 3869, one base deleted (A; older notation c.3869delA).
Protein change: p.Lys1290fs; shifts the reading frame from lysine 1290.
Molecular consequence: frameshift variant.
Genome position (GRCh38, 1-based): chr17:31,235,771, A deleted; the last of 2 consecutive A bases (chr17:31,235,770-31,235,771); deleting either gives the same sequence. VCF-style (leftmost placement, unchanged base first): chr17-31235769-CA-C. GRCh37 (hg19) VCF-style: chr17-29562787-CA-C.
Other names: c.3869delA, p.Lys1290Argfs (NM_000267.4); short protein forms K1290fs.
Identifiers: ClinVar variation 848632 (VCV000848632.6), dbSNP rs2067189853, ClinGen allele CA916080622.

ClinVar aggregate classification (germline): Pathogenic (1 of 4 stars; one submission).

Conditions:
Neurofibromatosis, type 1 (NF1). Also called: Neurofibromatosis, type I; VON RECKLINGHAUSEN DISEASE; Peripheral type neurofibromatosis; NEUROFIBROMATOSIS, TYPE I, SOMATIC. Identifiers: Orphanet 636, MedGen C0027831, MONDO:0018975, OMIM 162200. Disease mechanism: loss of function.

Submission:

Labcorp Genetics (formerly Invitae), Labcorp
Classification: Pathogenic for Neurofibromatosis, type 1. Last evaluated: 2019-02-13. Review status: criteria provided, single submitter. Criteria: Invitae Variant Classification Sherloc (09022015). Collection method: clinical testing. Allele origin: germline.
Comment: Loss-of-function variants in NF1 are known to be pathogenic (PMID: 10712197, 23913538). This variant has not been reported in the literature in individuals with NF1-related conditions. This variant is not present in population databases (ExAC no frequency). This sequence change creates a premature translational stop signal (p.Lys1290Argfs*19) in the NF1 gene. It is expected to result in an absent or disrupted protein product. For these reasons, this variant has been classified as Pathogenic.

Literature cited by the submitters: PubMed 10712197; PubMed 23913538.